The following is an entry in ClinVar:

NM_001042492.3(NF1):c.3902T>C (p.Leu1301Pro)

Gene: NF1 (neurofibromin 1; plus strand). Cytogenetic location: 17q11.2.
Variant type: single nucleotide variant.
Coding change: c.3902T>C on transcript NM_001042492.3 (MANE Select); coding-DNA position 3902, T replaced by C.
Protein change: p.Leu1301Pro; replaces leucine 1301 with proline.
Molecular consequence: missense variant.
Genome position (GRCh38, 1-based): chr17:31,235,949, T>C. VCF-style: chr17-31235949-T-C. GRCh37 (hg19) VCF-style: chr17-29562967-T-C.
Other names: c.3902T>C, p.Leu1301Pro (NM_000267.4); short protein forms L1301P.
Identifiers: ClinVar variation 1381627 (VCV001381627.6), dbSNP rs2151438576, ClinGen allele CA398993094.

ClinVar aggregate classification (germline): Uncertain significance (1 of 4 stars; one submission).

Conditions:
Neurofibromatosis, type 1 (NF1). Also called: VON RECKLINGHAUSEN DISEASE; Peripheral type neurofibromatosis; Neurofibromatosis, type I; NEUROFIBROMATOSIS, TYPE I, SOMATIC. Identifiers: Orphanet 636, MedGen C0027831, MONDO:0018975, OMIM 162200. Disease mechanism: loss of function.

Submission:

Labcorp Genetics (formerly Invitae), Labcorp
Classification: Uncertain significance for Neurofibromatosis, type 1. Last evaluated: 2024-02-16. Review status: criteria provided, single submitter. Criteria: Invitae Variant Classification Sherloc (09022015). Collection method: clinical testing. Allele origin: germline.
Comment: This sequence change replaces leucine, which is neutral and non-polar, with proline, which is neutral and non-polar, at codon 1301 of the NF1 protein (p.Leu1301Pro). This variant is not present in population databases (gnomAD no frequency). This variant has not been reported in the literature in individuals affected with NF1-related conditions. ClinVar contains an entry for this variant (Variation ID: 1381627). Advanced modeling of protein sequence and biophysical properties (such as structural, functional, and spatial information, amino acid conservation, physicochemical variation, residue mobility, and thermodynamic stability) performed at Invitae indicates that this missense variant is expected to disrupt NF1 protein function with a positive predictive value of 95%. In summary, the available evidence is currently insufficient to determine the role of this variant in disease. Therefore, it has been classified as a Variant of Uncertain Significance.